The following is an entry in ClinVar:

NM_001258400.2(FAM187A):c.1089G>A (p.Gly363=)

Genes: DNAAF19 (dynein axonemal assembly factor 19; plus strand), FAM187A (family with sequence similarity 187 member A; plus strand), GFAP (glial fibrillary acidic protein; minus strand). Cytogenetic location: 17q21.31.
Variant type: single nucleotide variant.
Coding change: c.1089G>A on transcript NM_001258400.2 (MANE Select); coding-DNA position 1089, G replaced by A.
Protein change: p.Gly363=; no amino-acid change (glycine 363 retained).
Molecular consequence: synonymous variant. On other transcripts: 3 prime UTR variant (7).
Genome position (GRCh38, 1-based): chr17:44,904,918, G>A. VCF-style: chr17-44904918-G-A. GRCh37 (hg19) VCF-style: chr17-42982286-G-A.
Other names: c.*2429C>T (NM_002055.5); c.*2101G>A (NM_001258395.2, NM_001258396.2, NM_213607.3); c.*2580G>A (NM_001258397.3); c.*2519G>A (NM_001258398.3, NM_001258399.2).
Identifiers: ClinVar variation 3389209 (VCV003389209.14).

ClinVar aggregate classification (germline): Likely benign (1 of 4 stars; one submission).

gnomAD v4.1: 4 of 1,550,616 alleles (0.00026%); highest among the groups gnomAD compares: Middle Eastern, 0.017%; no homozygotes.

Submission:

CeGaT Center for Human Genetics Tuebingen
Classification: Likely benign. Last evaluated: 2024-10-01. Review status: criteria provided, single submitter. Criteria: CeGaT Center For Human Genetics Tuebingen Variant Classification Criteria Version 2. Collection method: clinical testing. Allele origin: germline. Affected: yes. Observed: 1 variant allele.
Comment: FAM187A: BP4, BP7